The following is an entry in ClinVar:

NM_001941.5(DSC3):c.83C>A (p.Ala28Asp)

Gene: DSC3 (desmocollin 3; minus strand). Cytogenetic location: 18q12.1.
Variant type: single nucleotide variant.
Coding change: c.83C>A on transcript NM_001941.5 (MANE Select); coding-DNA position 83, C replaced by A.
Protein change: p.Ala28Asp; replaces alanine 28 with aspartic acid.
Molecular consequence: missense variant.
Genome position (GRCh38, 1-based): chr18:31,032,263, G>T on the plus strand (C>A on the coding strand, the complement: DSC3 is on the minus strand). VCF-style: chr18-31032263-G-T. GRCh37 (hg19) VCF-style: chr18-28612229-G-T.
Other names: c.83C>A, p.Ala28Asp (NM_024423.4); short protein forms A28D.
Identifiers: ClinVar variation 1268029 (VCV001268029.4), dbSNP rs2852003, ClinGen allele CA8924737.

ClinVar aggregate classification (germline): Benign. Review status: criteria provided, multiple submitters, no conflicts (2 of 4 stars). 3 submissions from 3 submitters: Benign (3). Last evaluated 2026-06-27.

Conditions:
DSC3-related disorder. Also called: DSC3-related condition.

Allele frequency attached by ClinVar (database versions not stated): 1000 Genomes Project 0.03435; 1000 Genomes Project 30x 0.03498; TOPMed 0.03644; ESP Exome Variant Server 0.04253; gnomAD 0.04719 and 0.04735; gnomAD exomes 0.05091 and 0.05851; ExAC 0.05181.
gnomAD v4.1: 91,751 of 1,609,726 alleles (5.7%); highest among the groups gnomAD compares: Non-Finnish European, 6.3%; 3,194 homozygotes.

Submissions (3):

PreventionGenetics, part of Exact Sciences
Classification: Benign for DSC3-related condition. Last evaluated: 2026-06-27. Review status: criteria provided, single submitter. Criteria: ACMG Guidelines, 2015. Collection method: clinical testing. Allele origin: germline.
Comment: This variant is classified as benign based on ACMG/AMP sequence variant interpretation guidelines (Richards et al. 2015 PMID: 25741868, with internal and published modifications).

GeneDx
Classification: Benign. Last evaluated: 2021-06-09. Review status: criteria provided, single submitter. Criteria: GeneDx Variant Classification Process June 2021. Collection method: clinical testing. Allele origin: germline. Affected: yes.

Breakthrough Genomics
Classification: Benign. Review status: criteria provided, single submitter. Criteria: ACMG Guidelines, 2015. Collection method: not provided. Allele origin: germline. Inheritance: Autosomal recessive inheritance. Affected: yes.